The following is an entry in ClinVar:

NM_015311.3(OBSL1):c.2315G>A (p.Arg772His)

Gene: OBSL1 (obscurin like cytoskeletal adaptor 1; minus strand). Cytogenetic location: 2q35.
Variant type: single nucleotide variant.
Coding change: c.2315G>A on transcript NM_015311.3 (MANE Select); coding-DNA position 2315, G replaced by A.
Protein change: p.Arg772His; replaces arginine 772 with histidine.
Molecular consequence: missense variant.
Genome position (GRCh38, 1-based): chr2:219,565,334, C>T on the plus strand (G>A on the coding strand, the complement: OBSL1 is on the minus strand). VCF-style: chr2-219565334-C-T. GRCh37 (hg19) VCF-style: chr2-220430056-C-T.
Other names: c.2315G>A, p.Arg772His (NM_001173408.2, NM_001173431.2); short protein forms R772H.
Identifiers: ClinVar variation 499898 (VCV000499898.6), dbSNP rs374481615, ClinGen allele CA2131272.

ClinVar aggregate classification (germline): Uncertain significance. Review status: criteria provided, multiple submitters, no conflicts (2 of 4 stars). 2 submissions from 2 submitters: Uncertain significance (2). Last evaluated 2026-04-14.

Allele frequency attached by ClinVar (database versions not stated): gnomAD exomes 0.00001 and 0.00002; ExAC 0.00004; gnomAD 0.00005 and 0.00007; TOPMed 0.00006; ESP Exome Variant Server 0.00008; 1000 Genomes Project 30x 0.00047; 1000 Genomes Project 0.00060.
gnomAD v4.1: 22 of 1,614,016 alleles (0.0014%); highest among the groups gnomAD compares: African/African-American, 0.008%; no homozygotes.

Submissions (2):

Women's Health and Genetics/Laboratory Corporation of America, LabCorp
Classification: Uncertain significance. Last evaluated: 2026-04-14. Review status: criteria provided, single submitter. Criteria: LabCorp Variant Classification Summary - May 2015. Collection method: clinical testing. Allele origin: germline.
Comment: Variant summary: OBSL1 c.2315G>A (p.Arg772His) results in a non-conservative amino acid change in the encoded protein sequence. Algorithms developed to predict the effect of missense changes on protein structure and function are either unavailable or do not agree on the potential impact of this missense change. The variant allele was found at a frequency of 2e-05 in 249270 control chromosomes. The available data on variant occurrences in the general population are insufficient to allow any conclusion about variant significance. To our knowledge, no occurrence of c.2315G>A in individuals affected with OBSL1-related conditions and no experimental evidence demonstrating its impact on protein function have been reported. ClinVar contains an entry for this variant (Variation ID: 499898). Based on the evidence outlined above, the variant was classified as uncertain significance.

Eurofins Ntd Llc (ga)
Classification: Uncertain significance. Last evaluated: 2017-01-26. Review status: criteria provided, single submitter. Criteria: EGL Classification Definitions 2015. Collection method: clinical testing. Allele origin: germline. Observed: 1 variant allele, 1 heterozygote.